The following is an entry in ClinVar:

ClinVar aggregate classification (germline): Uncertain significance (1 of 4 stars; one submission).

Conditions:
Nephronophthisis. Also called: Juvenile Nephronophthisis. Identifiers: Orphanet 655, MedGen C0687120, MONDO:0019005, HP:0000090.

Allele frequency attached by ClinVar (database versions not stated): gnomAD 0.00001; gnomAD exomes 0.00001; TOPMed 0.00001; ExAC 0.00002; ESP Exome Variant Server 0.00008.
gnomAD v4.1: 14 of 1,613,960 alleles (0.00087%); highest among the groups gnomAD compares: African/African-American, 0.0093%; no homozygotes.

Submission:

Labcorp Genetics (formerly Invitae), Labcorp
Classification: Uncertain significance for Nephronophthisis. Last evaluated: 2022-08-16. Review status: criteria provided, single submitter. Criteria: Invitae Variant Classification Sherloc (09022015). Collection method: clinical testing. Allele origin: germline.
Comment: This sequence change replaces glutamic acid, which is acidic and polar, with lysine, which is basic and polar, at codon 956 of the INVS protein (p.Glu956Lys). This variant is present in population databases (rs114749415, gnomAD 0.007%). This variant has not been reported in the literature in individuals affected with INVS-related conditions. Algorithms developed to predict the effect of missense changes on protein structure and function output the following: SIFT: "Tolerated"; PolyPhen-2: "Benign"; Align-GVGD: "Class C0". The lysine amino acid residue is found in multiple mammalian species, which suggests that this missense change does not adversely affect protein function. In summary, the available evidence is currently insufficient to determine the role of this variant in disease. Therefore, it has been classified as a Variant of Uncertain Significance.

NM_014425.5(INVS):c.2866G>A (p.Glu956Lys)

Gene: INVS (inversin; plus strand). Cytogenetic location: 9q31.1.
Variant type: single nucleotide variant.
Coding change: c.2866G>A on transcript NM_014425.5 (MANE Select); coding-DNA position 2866, G replaced by A.
Protein change: p.Glu956Lys; replaces glutamic acid 956 with lysine.
Molecular consequence: missense variant. On other transcripts: non-coding transcript variant (1).
Genome position (GRCh38, 1-based): chr9:100,296,996, G>A. VCF-style: chr9-100296996-G-A. GRCh37 (hg19) VCF-style: chr9-103059278-G-A.
Other names: c.2578G>A, p.Glu860Lys (NM_001318381.2); c.1888G>A, p.Glu630Lys (NM_001318382.2); short protein forms E860K, E956K, E630K.
Identifiers: ClinVar variation 2009063 (VCV002009063.1), dbSNP rs114749415, ClinGen allele CA5158728.